The following is an entry in ClinVar:

NM_000057.4(BLM):c.1660G>A (p.Asp554Asn)

Gene: BLM (BLM RecQ like helicase; plus strand). Cytogenetic location: 15q26.1.
Variant type: single nucleotide variant.
Coding change: c.1660G>A on transcript NM_000057.4 (MANE Select); coding-DNA position 1660, G replaced by A.
Protein change: p.Asp554Asn; replaces aspartic acid 554 with asparagine.
Molecular consequence: missense variant.
Genome position (GRCh38, 1-based): chr15:90,761,033, G>A. VCF-style: chr15-90761033-G-A. GRCh37 (hg19) VCF-style: chr15-91304263-G-A.
Other names: c.1660G>A (NM_000057.2); c.1660G>A, p.Asp554Asn (NM_001287246.2, NM_001287247.2); c.535G>A, p.Asp179Asn (NM_001287248.2); short protein forms D179N, D554N.
Identifiers: ClinVar variation 1055058 (VCV001055058.10), dbSNP rs2151158694, ClinGen allele CA393843550.
Genomic context (GRCh38, chr15:90,761,033, plus strand): 5'-AATAAACATACTGCTTCAATAAATGACTTAGAAAGAGAAACCCAACCTTCCTATGATATT[G>A]ATAATTTTGACATAGATGACTTTGATGATGATGATGACTGGGAAGACATAATGCATAATT-3'
Protein context (NP_000048.1, residues 544-564): ERETQPSYDI[Asp554Asn]NFDIDDFDDD

ClinVar aggregate classification (germline): Uncertain significance. Review status: criteria provided, multiple submitters, no conflicts (2 of 4 stars). 2 submissions from 2 submitters: Uncertain significance (2). Last evaluated 2025-12-24.

Conditions:
Hereditary cancer-predisposing syndrome. Also called: Hereditary Cancer Syndrome; Tumor predisposition; Hereditary neoplastic syndrome; Neoplastic Syndromes, Hereditary. Identifiers: Orphanet 140162, MedGen C0027672, MeSH D009386, MONDO:0015356.
Bloom syndrome (BLM). Also called: Bloom-Torre-Machacek syndrome. Identifiers: Orphanet 125, MedGen C0005859, MONDO:0008876, OMIM 210900.

Submissions (2):

Labcorp Genetics (formerly Invitae), Labcorp
Classification: Uncertain significance for Bloom syndrome. Last evaluated: 2025-12-24. Review status: criteria provided, single submitter. Criteria: Invitae Variant Classification Sherloc (09022015). Collection method: clinical testing. Allele origin: germline.
Comment: This sequence change replaces aspartic acid, which is acidic and polar, with asparagine, which is neutral and polar, at codon 554 of the BLM protein (p.Asp554Asn). This variant is not present in population databases (gnomAD no frequency). This variant has not been reported in the literature in individuals affected with BLM-related conditions. ClinVar contains an entry for this variant (Variation ID: 1055058). Invitae Evidence Modeling of protein sequence and biophysical properties (such as structural, functional, and spatial information, amino acid conservation, physicochemical variation, residue mobility, and thermodynamic stability) indicates that this missense variant is not expected to disrupt BLM protein function with a negative predictive value of 80%. In summary, the available evidence is currently insufficient to determine the role of this variant in disease. Therefore, it has been classified as a Variant of Uncertain Significance.

Ambry Genetics
Classification: Uncertain significance for Hereditary cancer-predisposing syndrome. Last evaluated: 2024-04-07. Review status: criteria provided, single submitter. Criteria: Ambry Variant Classification Scheme 2023. Collection method: clinical testing. Allele origin: germline.
Comment: The p.D554N variant (also known as c.1660G>A), located in coding exon 6 of the BLM gene, results from a G to A substitution at nucleotide position 1660. The aspartic acid at codon 554 is replaced by asparagine, an amino acid with highly similar properties. This amino acid position is conserved. In addition, this alteration is predicted to be tolerated by in silico analysis. Based on the available evidence, the clinical significance of this variant remains unclear.